The following is an entry in ClinVar:

NM_000492.4(CFTR):c.452A>G (p.Gln151Arg)

Gene: CFTR (CF transmembrane conductance regulator; plus strand). Cytogenetic location: 7q31.2.
Variant type: single nucleotide variant.
Coding change: c.452A>G on transcript NM_000492.4 (MANE Select); coding-DNA position 452, A replaced by G.
Protein change: p.Gln151Arg; replaces glutamine 151 with arginine.
Molecular consequence: missense variant.
Genome position (GRCh38, 1-based): chr7:117,531,077, A>G. VCF-style: chr7-117531077-A-G. GRCh37 (hg19) VCF-style: chr7-117171131-A-G.
Other names: short protein forms Q151R.
Identifiers: ClinVar variation 4644484 (VCV004644484.1).

ClinVar aggregate classification (germline): Uncertain significance (1 of 4 stars; one submission).

Conditions:
Cystic fibrosis (CF). Also called: MUCOVISCIDOSIS. Identifiers: Orphanet 586, MedGen C0010674, MONDO:0009061, OMIM 219700. Disease mechanism: loss of function.

gnomAD v4.1: 1 of 1,613,670 alleles (0.000062%); highest among the groups gnomAD compares: Admixed American, 0.0017%; no homozygotes.

Submission:

Ambry Genetics
Classification: Uncertain significance for Cystic fibrosis. Last evaluated: 2025-11-04. Review status: criteria provided, single submitter. Criteria: Ambry Variant Classification Scheme 2023. Collection method: clinical testing. Allele origin: germline.
Comment: The p.Q151R variant (also known as c.452A>G), located in coding exon 4 of the CFTR gene, results from an A to G substitution at nucleotide position 452. The glutamine at codon 151 is replaced by arginine, an amino acid with highly similar properties. This amino acid position is highly conserved in available vertebrate species. In addition, this alteration is predicted to be deleterious by in silico analysis. Based on the available evidence, the clinical significance of this variant remains unclear.